The following is an entry in ClinVar:

ClinVar aggregate classification (germline): Uncertain significance (1 of 4 stars; one submission).

Conditions:
Emery-Dreifuss muscular dystrophy (EDMD). Also called: Scapuloperoneal syndrome, X-linked (formerly); Humeroperoneal neuromuscular disease, (formerly). Identifiers: Orphanet 261, MedGen C0410189, MONDO:0016830.

Submission:

Labcorp Genetics (formerly Invitae), Labcorp
Classification: Uncertain significance for Emery-Dreifuss muscular dystrophy. Last evaluated: 2024-05-06. Review status: criteria provided, single submitter. Criteria: Invitae Variant Classification Sherloc (09022015). Collection method: clinical testing. Allele origin: germline.
Comment: This sequence change replaces glutamic acid, which is acidic and polar, with alanine, which is neutral and non-polar, at codon 125 of the SUN2 protein (p.Glu125Ala). This variant is not present in population databases (gnomAD no frequency). This variant has not been reported in the literature in individuals affected with SUN2-related conditions. An algorithm developed to predict the effect of missense changes on protein structure and function (PolyPhen-2) suggests that this variant is likely to be disruptive. In summary, the available evidence is currently insufficient to determine the role of this variant in disease. Therefore, it has been classified as a Variant of Uncertain Significance.

NM_015374.3(SUN2):c.374A>C (p.Glu125Ala)

Gene: SUN2 (Sad1 and UNC84 domain containing 2; minus strand). Cytogenetic location: 22q13.1.
Variant type: single nucleotide variant.
Coding change: c.374A>C on transcript NM_015374.3 (MANE Select); coding-DNA position 374, A replaced by C.
Protein change: p.Glu125Ala; replaces glutamic acid 125 with alanine.
Molecular consequence: missense variant. On other transcripts: intron variant (4).
Genome position (GRCh38, 1-based): chr22:38,750,948, T>G on the plus strand (A>C on the coding strand, the complement: SUN2 is on the minus strand). VCF-style: chr22-38750948-T-G. GRCh37 (hg19) VCF-style: chr22-39146953-T-G.
Other names: c.374A>C, p.Glu125Ala (NM_001199579.2, NM_001199580.2, NM_001394427.1 and 11 more transcripts); c.419A>C, p.Glu140Ala (NM_001394429.1, NM_001394430.1); c.284A>C, p.Glu95Ala (NM_001394438.1); c.122+1559A>C (NM_001394443.1); c.286+262A>C (NM_001394439.1, NM_001394441.1, NM_001394440.1); short protein forms E140A, E125A, E95A.
Identifiers: ClinVar variation 3632997 (VCV003632997.2).
Genomic context (GRCh38, chr22:38,750,948, plus strand): 5'-CATCGCCTACCCACGTAGTCGTCCTCAGAGGAGTAGCCCGAGGAAGAGCCCAGGAAGTCC[T>G]CGGTGGCCTTGCGCCCCACAAGCCCGCTGGCCCTGCTGCTCTCTGAGCCACCCGTGCCTC-3'
Protein context (NP_056189.1, residues 115-135): ASGLVGRKAT[Glu125Ala]DFLGSSSGYS